The following is an entry in ClinVar:

ClinVar aggregate classification (germline): Uncertain significance (1 of 4 stars; one submission).

Conditions:
Bronchiectasis and nasal polyposis. Identifiers: MedGen C5975469, MONDO:0975835, OMIM 620984.

Submission:

3billion
Classification: Uncertain significance for Bronchiectasis and nasal polyposis. Last evaluated: 2025-09-11. Review status: criteria provided, single submitter. Criteria: ACMG Guidelines, 2015. Collection method: clinical testing. Allele origin: germline. Affected: yes.
Comment: The variant is observed at an extremely low frequency in the gnomAD v4.1.0 dataset (total allele frequency: <0.001%). Predicted Consequence/Location: Missense variant In silico tool predictions suggest damaging effect of the variant on gene or gene product [REVEL: 0.72 (>=0.6, sensitivity 0.68 and specificity 0.92)]. Therefore, this variant is classified as VUS according to the recommendation of ACMG/AMP guideline.

NM_006103.4(WFDC2):c.233G>A (p.Gly78Asp)

Gene: WFDC2 (WAP four-disulfide core domain 2; plus strand). Cytogenetic location: 20q13.12.
Variant type: single nucleotide variant.
Coding change: c.233G>A on transcript NM_006103.4 (MANE Select); coding-DNA position 233, G replaced by A.
Protein change: p.Gly78Asp; replaces glycine 78 with aspartic acid.
Molecular consequence: missense variant.
Genome position (GRCh38, 1-based): chr20:45,479,951, G>A. VCF-style: chr20-45479951-G-A. GRCh37 (hg19) VCF-style: chr20-44108591-G-A.
Other names: short protein forms G78D.
Identifiers: ClinVar variation 4854883 (VCV004854883.1).